The following is an entry in ClinVar:

ClinVar aggregate classification (germline): Likely benign. Review status: criteria provided, single submitter (1 of 4 stars). 2 submissions from 2 submitters: Likely benign (1). 1 of the submissions does not count toward it. Last evaluated 2023-10-01.

Conditions:
DHX16-related disorder. Also called: DHX16-related condition.

Allele frequency attached by ClinVar (database versions not stated): gnomAD exomes 0.00034; ExAC 0.00055; gnomAD 0.00079; 1000 Genomes Project 0.00100; ESP Exome Variant Server 0.00100; TOPMed 0.00106; 1000 Genomes Project 30x 0.00125.

Submissions (2):

CeGaT Center for Human Genetics Tuebingen
Classification: Likely benign. Last evaluated: 2023-10-01. Review status: criteria provided, single submitter. Criteria: CeGaT Center For Human Genetics Tuebingen Variant Classification Criteria Version 2. Collection method: clinical testing. Allele origin: germline. Affected: yes. Observed: 1 variant allele.
Comment: DHX16: BP4, BP7

PreventionGenetics, part of Exact Sciences
Classification: Likely benign for DHX16-related condition. Last evaluated: 2020-01-02. Review status: no assertion criteria provided. Collection method: clinical testing. Allele origin: germline. Not counted in ClinVar's aggregate classification.
Comment: This variant is classified as likely benign based on ACMG/AMP sequence variant interpretation guidelines (Richards et al. 2015 PMID: 25741868, with internal and published modifications).

NM_003587.5(DHX16):c.996G>A (p.Ala332=)

Gene: DHX16 (DEAH-box helicase 16; minus strand). Cytogenetic location: 6p21.33.
Variant type: single nucleotide variant.
Coding change: c.996G>A on transcript NM_003587.5 (MANE Select); coding-DNA position 996, G replaced by A.
Protein change: p.Ala332=; no amino-acid change (alanine 332 retained).
Molecular consequence: synonymous variant. On other transcripts: 5 prime UTR variant (1).
Genome position (GRCh38, 1-based): chr6:30,665,200, C>T on the plus strand (G>A on the coding strand, the complement: DHX16 is on the minus strand). VCF-style: chr6-30665200-C-T. GRCh37 (hg19) VCF-style: chr6-30632977-C-T.
Other names: c.816G>A, p.Ala272= (NM_001164239.2); c.-1124G>A (NM_001363515.2); c.996G>A (NM_003587.4).
Identifiers: ClinVar variation 2656338 (VCV002656338.25), dbSNP rs141508885, ClinGen allele CA3701345.